The following continues an entry in ClinVar:

NM_007294.4(BRCA1):c.2596C>T (p.Arg866Cys)

Gene: BRCA1. ClinVar aggregate classification (germline): Benign. Benign (1).

Submissions 22 to 31 of 31:

Counsyl
Classification: Likely benign for Breast-ovarian cancer, familial 1. Last evaluated: 2014-09-26. Review status: no assertion criteria provided. Collection method: literature only. Allele origin: unknown. Inheritance: Autosomal dominant inheritance. Not counted in ClinVar's aggregate classification.

Research Molecular Genetics Laboratory, Women's College Hospital, University of Toronto
Classification: Benign. Last evaluated: 2014-01-31. Review status: no assertion criteria provided. Collection method: research. Allele origin: germline. Affected: yes. Study: The Canadian Open Genetics Repository (COGR). Not counted in ClinVar's aggregate classification.

ITMI
No classification provided. Condition: AllHighlyPenetrant. Last evaluated: 2013-09-19. Review status: no classification provided. Collection method: reference population. Allele origin: germline. Not counted in ClinVar's aggregate classification.
Comment: Please see associated publication for description of ethnicities

Biesecker Lab/Clinical Genomics Section, National Institutes of Health
Classification: Likely benign. Last evaluated: 2012-07-13. Review status: no assertion criteria provided. Collection method: research. Allele origin: germline. Affected: no. Observed: 1 variant allele. Study: ClinSeq. Not counted in ClinVar's aggregate classification.
ClinVar note: Converted during submission from probably not pathogenic to Likely benign.

Sharing Clinical Reports Project (SCRP)
Classification: Benign for Breast-ovarian cancer, familial 1. Last evaluated: 2008-08-21. Review status: no assertion criteria provided. Collection method: clinical testing. Allele origin: germline. Not counted in ClinVar's aggregate classification.

Breast Cancer Information Core (BIC) (BRCA1)
Classification: Benign for Breast-ovarian cancer, familial 1. Last evaluated: 2002-05-29. Review status: no assertion criteria provided. Collection method: clinical testing. Allele origin: germline. Affected: yes. Observed: 24 variant alleles. Not counted in ClinVar's aggregate classification.

Department of Pathology and Laboratory Medicine, Sinai Health System
Classification: Benign. Review status: no assertion criteria provided. Collection method: clinical testing. Allele origin: unknown. Affected: yes. Observed: 3 variant alleles. Study: The Canadian Open Genetics Repository (COGR). Not counted in ClinVar's aggregate classification.

Foulkes Cancer Genetics LDI, Lady Davis Institute for Medical Research
Classification: Likely pathogenic for Breast and/or ovarian cancer. Review status: no assertion criteria provided. Collection method: clinical testing. Allele origin: germline. Study: The Canadian Open Genetics Repository (COGR). Not counted in ClinVar's aggregate classification.

Joint Genome Diagnostic Labs from Nijmegen and Maastricht, Radboudumc and MUMC+
Classification: Benign. Review status: no assertion criteria provided. Collection method: clinical testing. Allele origin: germline. Affected: yes. Study: VKGL Data-share Consensus. Not counted in ClinVar's aggregate classification.

Laboratory of Diagnostic Genome Analysis, Leiden University Medical Center (LUMC)
Classification: Benign. Review status: no assertion criteria provided. Collection method: clinical testing. Allele origin: germline. Affected: yes. Study: VKGL Data-share Consensus. Not counted in ClinVar's aggregate classification.

Literature cited by the submitters: PubMed 21990134 (cited by 3 submitters); PubMed 17924331 (cited by Illumina Laboratory Services, Illumina and Counsyl); PubMed 16518693 (cited by Illumina Laboratory Services, Illumina and Counsyl); PubMed 12505256 (cited by Illumina Laboratory Services, Illumina and Counsyl); PubMed 25782689 (cited by Illumina Laboratory Services, Illumina); PubMed 23867111 (cited by Illumina Laboratory Services, Illumina and Counsyl); PubMed 15235020 (cited by Illumina Laboratory Services, Illumina and Counsyl); PubMed 21520273 (cited by Illumina Laboratory Services, Illumina and Counsyl); PubMed 12872265 (cited by Illumina Laboratory Services, Illumina and Counsyl); PubMed 24728327 (cited by 3 submitters); PubMed 12457999 (cited by Illumina Laboratory Services, Illumina and Counsyl); PubMed 18798010 (cited by Illumina Laboratory Services, Illumina); PubMed 9333265 (cited by Illumina Laboratory Services, Illumina); PubMed 2010458 (cited by Illumina Laboratory Services, Illumina); PubMed 16267036 (cited by Eurofins Ntd Llc (ga) and Counsyl); PubMed 12531920 (cited by Counsyl).